The following is an entry in ClinVar:

ClinVar aggregate classification (germline): Uncertain significance (1 of 4 stars; one submission).

Submission:

GeneDx
Classification: Uncertain significance. Last evaluated: 2024-06-02. Review status: criteria provided, single submitter. Criteria: GeneDx Variant Classification Process June 2021. Collection method: clinical testing. Allele origin: germline. Affected: yes.
Comment: In silico analysis supports that this missense variant has a deleterious effect on protein structure/function; Not observed at significant frequency in large population cohorts (gnomAD); Has not been previously published as pathogenic or benign to our knowledge

NM_001320752.2(STS):c.1101G>C (p.Trp367Cys)

Gene: STS (steroid sulfatase; plus strand). Cytogenetic location: Xp22.31.
Variant type: single nucleotide variant.
Coding change: c.1101G>C on transcript NM_001320752.2 (MANE Select); coding-DNA position 1101, G replaced by C.
Protein change: p.Trp367Cys; replaces tryptophan 367 with cysteine.
Molecular consequence: missense variant.
Genome position (GRCh38, 1-based): chrX:7,325,358, G>C. VCF-style: chrX-7325358-G-C. GRCh37 (hg19) VCF-style: chrX-7243399-G-C.
Other names: c.1101G>C, p.Trp367Cys (NM_000351.7, NM_001320753.2, NM_001320754.2); c.1137G>C, p.Trp379Cys (NM_001320750.3, NM_001320751.2); short protein forms W367C, W379C.
Identifiers: ClinVar variation 3384537 (VCV003384537.1).